The following is an entry in ClinVar:

NM_006885.4(ZFHX3):c.6929dup (p.Glu2311fs)

Genes: ZFHX3 (zinc finger homeobox 3; minus strand), ZFHX3-AS1 (ZFHX3 antisense RNA 1; plus strand). Cytogenetic location: 16q22.2.
Variant type: Duplication.
Coding change: c.6929dup on transcript NM_006885.4 (MANE Select); coding-DNA position 6929, one base duplicated (G; older notation c.6929dupG).
Protein change: p.Glu2311fs; shifts the reading frame from glutamic acid 2311.
Molecular consequence: frameshift variant.
Genome position (GRCh38, 1-based): chr16:72,795,753, C duplicated on the plus strand (G on the coding strand, the reverse complement: ZFHX3 is on the minus strand); the first of 2 consecutive C bases (chr16:72,795,753-72,795,754); duplicating either gives the same sequence. VCF-style (leftmost placement, unchanged base first): chr16-72795752-T-TC. GRCh37 (hg19) VCF-style: chr16-72829651-T-TC.
Other names: c.4187dup, p.Glu1397fs (NM_001164766.2); c.6929dup, p.Glu2311fs (NM_001386735.1); short protein forms E1397fs, E2311fs.
Identifiers: ClinVar variation 4853998 (VCV004853998.1).

ClinVar aggregate classification (germline): Likely pathogenic (1 of 4 stars; one submission).

Conditions:
ZFHX3-related disorder. Also called: ZFHX3-related condition.

Submission:

3billion
Classification: Likely pathogenic for ZFHX3-related disorder. Last evaluated: 2026-01-08. Review status: criteria provided, single submitter. Criteria: ACMG Guidelines, 2015. Collection method: clinical testing. Allele origin: germline. Affected: yes.
Comment: The variant is not observed in the gnomAD v4.1.0 dataset. Predicted Consequence/Location: Frameshift: predicted to result in a loss or disruption of normal protein function through nonsense-mediated decay (NMD) or protein truncation. Multiple pathogenic nullvariants are reported (PMID: 38412861). Therefore, this variant is classified as Likely pathogenic according to the recommendation of ACMG/AMP guideline.